The following is an entry in ClinVar:

NM_198859.4(PRICKLE2):c.1414T>C (p.Tyr472His)

Gene: PRICKLE2 (prickle planar cell polarity protein 2; minus strand). Cytogenetic location: 3p14.1.
Variant type: single nucleotide variant.
Coding change: c.1414T>C on transcript NM_198859.4 (MANE Select); coding-DNA position 1414, T replaced by C.
Protein change: p.Tyr472His; replaces tyrosine 472 with histidine.
Molecular consequence: missense variant.
Genome position (GRCh38, 1-based): chr3:64,147,076, A>G on the plus strand (T>C on the coding strand, the complement: PRICKLE2 is on the minus strand). VCF-style: chr3-64147076-A-G. GRCh37 (hg19) VCF-style: chr3-64132752-A-G.
Other names: c.1414T>C, p.Tyr472His (NM_001370528.1); short protein forms Y472H.
Identifiers: ClinVar variation 2002116 (VCV002002116.4), dbSNP rs2471158513, ClinGen allele CA353429572.

ClinVar aggregate classification (germline): Uncertain significance (1 of 4 stars; one submission).

Conditions:
Progressive myoclonic epilepsy type 5. Identifiers: Orphanet 402082, MedGen C5190799.

Submission:

Labcorp Genetics (formerly Invitae), Labcorp
Classification: Uncertain significance for Progressive myoclonic epilepsy type 5. Last evaluated: 2023-09-30. Review status: criteria provided, single submitter. Criteria: Invitae Variant Classification Sherloc (09022015). Collection method: clinical testing. Allele origin: germline.
Comment: This sequence change replaces tyrosine, which is neutral and polar, with histidine, which is basic and polar, at codon 472 of the PRICKLE2 protein (p.Tyr472His). This variant is not present in population databases (gnomAD no frequency). This variant has not been reported in the literature in individuals affected with PRICKLE2-related conditions. ClinVar contains an entry for this variant (Variation ID: 2002116). Advanced modeling of protein sequence and biophysical properties (such as structural, functional, and spatial information, amino acid conservation, physicochemical variation, residue mobility, and thermodynamic stability) has been performed at Invitae for this missense variant, however the output from this modeling did not meet the statistical confidence thresholds required to predict the impact of this variant on PRICKLE2 protein function. In summary, the available evidence is currently insufficient to determine the role of this variant in disease. Therefore, it has been classified as a Variant of Uncertain Significance.